The following is an entry in ClinVar:

ClinVar aggregate classification (germline): Uncertain significance (1 of 4 stars; one submission).

Allele frequency attached by ClinVar (database versions not stated): gnomAD exomes below 0.00001.
gnomAD v4.1: 1 of 1,543,280 alleles (0.000065%); highest among the groups gnomAD compares: Non-Finnish European, 0.000087%; no homozygotes.

Submission:

Labcorp Genetics (formerly Invitae), Labcorp
Classification: Uncertain significance. Last evaluated: 2022-11-14. Review status: criteria provided, single submitter. Criteria: Invitae Variant Classification Sherloc (09022015). Collection method: clinical testing. Allele origin: germline.
Comment: In summary, the available evidence is currently insufficient to determine the role of this variant in disease. Therefore, it has been classified as a Variant of Uncertain Significance. Algorithms developed to predict the effect of missense changes on protein structure and function (SIFT, PolyPhen-2, Align-GVGD) all suggest that this variant is likely to be disruptive. ClinVar contains an entry for this variant (Variation ID: 1451041). This variant has not been reported in the literature in individuals affected with LRIT3-related conditions. This variant is not present in population databases (gnomAD no frequency). This sequence change replaces proline, which is neutral and non-polar, with leucine, which is neutral and non-polar, at codon 304 of the LRIT3 protein (p.Pro304Leu).

NM_198506.5(LRIT3):c.911C>T (p.Pro304Leu)

Gene: LRIT3 (leucine rich repeat, Ig-like and transmembrane domains 3; plus strand). Cytogenetic location: 4q25.
Variant type: single nucleotide variant.
Coding change: c.911C>T on transcript NM_198506.5 (MANE Select); coding-DNA position 911, C replaced by T.
Protein change: p.Pro304Leu; replaces proline 304 with leucine.
Molecular consequence: missense variant.
Genome position (GRCh38, 1-based): chr4:109,869,660, C>T. VCF-style: chr4-109869660-C-T. GRCh37 (hg19) VCF-style: chr4-110790816-C-T.
Other names: short protein forms P304L.
Identifiers: ClinVar variation 1451041 (VCV001451041.6), dbSNP rs112980116, ClinGen allele CA357868755.